The following is an entry in ClinVar:

NM_001111125.3(IQSEC2):c.3030C>T (p.Phe1010=)

Gene: IQSEC2 (IQ motif and Sec7 domain ArfGEF 2; minus strand). Cytogenetic location: Xp11.22.
Variant type: single nucleotide variant.
Coding change: c.3030C>T on transcript NM_001111125.3 (MANE Select); coding-DNA position 3030, C replaced by T.
Protein change: p.Phe1010=; no amino-acid change (phenylalanine 1010 retained).
Molecular consequence: synonymous variant.
Genome position (GRCh38, 1-based): chrX:53,239,280, G>A on the plus strand (C>T on the coding strand, the complement: IQSEC2 is on the minus strand). VCF-style: chrX-53239280-G-A. GRCh37 (hg19) VCF-style: chrX-53268462-G-A.
Other names: c.3030C>T, p.Phe1010= (NM_001410736.1, NM_001441092.1); c.2532C>T, p.Phe844= (NM_001441093.1); c.2319C>T, p.Phe773= (NM_001441094.1, NM_001441095.1); c.2415C>T, p.Phe805= (NM_015075.2).
Identifiers: ClinVar variation 4996283 (VCV004996283.1).
Genomic context (GRCh38, chrX:53,239,280, plus strand): 5'-CATTTCCACGAGGGGGAAAGACTGACGGAAACTGTACGTCACCAAGATCTTCTTCTTCTG[G>A]AAAATTTTGGTGACCTTTGGCAGGGGTGGGAAAAAGACAAGAGGCAGCGCTTTGGGTGGG-3'
Protein context (NP_001104595.1, residues 1000-1020): FNDLLVVTKI[Phe1010=]QKKKILVTYS

ClinVar aggregate classification (germline): Likely benign (1 of 4 stars; one submission).

Conditions:
IQSEC2-related disorder. Also called: IQSEC2-related condition.

Submission:

PreventionGenetics, part of Exact Sciences
Classification: Likely benign for IQSEC2-related condition. Last evaluated: 2026-06-14. Review status: criteria provided, single submitter. Criteria: ACMG Guidelines, 2015. Collection method: clinical testing. Allele origin: germline.
Comment: This variant is classified as likely benign based on ACMG/AMP sequence variant interpretation guidelines (Richards et al. 2015 PMID: 25741868, with internal and published modifications).